The following is an entry in ClinVar:

NM_004813.4(PEX16):c.149-2A>G

Gene: PEX16 (peroxisomal biogenesis factor 16; minus strand). Cytogenetic location: 11p11.2.
Variant type: single nucleotide variant.
Coding change: c.149-2A>G on transcript NM_004813.4 (MANE Select); the canonical splice acceptor site of the intron before coding-DNA position 149, A replaced by G.
Molecular consequence: splice acceptor variant.
Genome position (GRCh38, 1-based): chr11:45,916,305, T>C on the plus strand (A>G on the coding strand, the complement: PEX16 is on the minus strand). VCF-style: chr11-45916305-T-C. GRCh37 (hg19) VCF-style: chr11-45937856-T-C.
Other names: c.149-2A>G (NM_057174.3).
Identifiers: ClinVar variation 2767804 (VCV002767804.3), dbSNP rs2494908941, ClinGen allele CA380229280.

ClinVar aggregate classification (germline): Likely pathogenic (1 of 4 stars; one submission).

Conditions:
Peroxisome biogenesis disorder. Identifiers: Orphanet 79189, MedGen C1832200, MONDO:0019234. Disease mechanism: loss of function.

Submission:

Labcorp Genetics (formerly Invitae), Labcorp
Classification: Likely pathogenic for Peroxisome biogenesis disorder. Last evaluated: 2023-10-12. Review status: criteria provided, single submitter. Criteria: Invitae Variant Classification Sherloc (09022015). Collection method: clinical testing. Allele origin: germline.
Comment: This sequence change affects an acceptor splice site in intron 2 of the PEX16 gene. It is expected to disrupt RNA splicing. Variants that disrupt the donor or acceptor splice site typically lead to a loss of protein function (PMID: 16199547), and loss-of-function variants in PEX16 are known to be pathogenic (PMID: 9837814, 11890679, 20647552, 20681997). This variant is not present in population databases (gnomAD no frequency). This variant has not been reported in the literature in individuals affected with PEX16-related conditions. Algorithms developed to predict the effect of sequence changes on RNA splicing suggest that this variant may disrupt the consensus splice site. In summary, the currently available evidence indicates that the variant is pathogenic, but additional data are needed to prove that conclusively. Therefore, this variant has been classified as Likely Pathogenic.

Literature cited by the submitters: PubMed 16199547; PubMed 9837814; PubMed 11890679; PubMed 20647552; PubMed 20681997.